The following is an entry in ClinVar:

NM_001903.5(CTNNA1):c.1936_1937del (p.Glu646fs)

Gene: CTNNA1 (catenin alpha 1; plus strand). Cytogenetic location: 5q31.2.
Variant type: Deletion.
Coding change: c.1936_1937del on transcript NM_001903.5 (MANE Select); coding-DNA positions 1936 to 1937, 2 bases deleted (GA; older notation c.1936_1937delGA).
Protein change: p.Glu646fs; shifts the reading frame from glutamic acid 646.
Molecular consequence: frameshift variant.
Genome position (GRCh38, 1-based): chr5:138,929,282-138,929,283, GA deleted; deleting any 2 consecutive bases within chr5:138,929,281-138,929,283 gives the same sequence; the c. name uses the placement nearest the transcript's 3' end. VCF-style (leftmost placement, unchanged base first): chr5-138929280-CAG-C. GRCh37 (hg19) VCF-style: chr5-138264969-CAG-C.
Other names: c.1936_1937del, p.Glu646fs (NM_001323983.1, NM_001323984.2, NM_001323985.2 and 2 more transcripts); c.1843_1844del, p.Glu615fs (NM_001323986.2); c.826_827del, p.Glu276fs (NM_001323987.1, NM_001323988.1, NM_001323989.1 and 17 more transcripts); c.487_488del, p.Glu163fs (NM_001324007.1, NM_001324008.1, NM_001324009.1 and 2 more transcripts); c.733_734del, p.Glu245fs (NM_001324011.1); c.583_584del, p.Glu195fs (NM_001324012.1, NM_001324013.1); c.1627_1628del, p.Glu543fs (NM_001290309.3); c.1567_1568del, p.Glu523fs (NM_001290310.3); short protein forms E163fs, E195fs, E245fs, E276fs, E523fs, E543fs, E615fs, E646fs.
Identifiers: ClinVar variation 4876073 (VCV004876073.1).

ClinVar aggregate classification (germline): Pathogenic (1 of 4 stars; one submission).

Conditions:
Hereditary diffuse gastric adenocarcinoma (HDGC). Also called: DIFFUSE GASTRIC AND LOBULAR BREAST CANCER SYNDROME. Identifiers: Orphanet 26106, MedGen C1708349, MONDO:0007648, OMIM 137215.

Submission:

Myriad Genetics, Inc.
Classification: Pathogenic for Hereditary diffuse gastric adenocarcinoma. Last evaluated: 2026-06-02. Review status: criteria provided, single submitter. Criteria: Myriad Autosomal Dominant, Autosomal Recessive and X-Linked Classification Criteria (2023). Collection method: clinical testing. Allele origin: unknown.
Comment: This variant is considered pathogenic. This variant creates a frameshift predicted to result in premature protein truncation.